The following is an entry in ClinVar:

NM_017780.4(CHD7):c.4644+1G>A

Gene: CHD7 (chromodomain helicase DNA binding protein 7; plus strand). Cytogenetic location: 8q12.2.
Variant type: single nucleotide variant.
Coding change: c.4644+1G>A on transcript NM_017780.4 (MANE Select); the canonical splice donor site of the intron after coding-DNA position 4644, G replaced by A.
Molecular consequence: splice donor variant. On other transcripts: intron variant (1).
Genome position (GRCh38, 1-based): chr8:60,841,755, G>A. VCF-style: chr8-60841755-G-A. GRCh37 (hg19) VCF-style: chr8-61754314-G-A.
Other names: c.1717-20474G>A (NM_001316690.1); c.4644+1G>A (NM_017780.3).
Identifiers: ClinVar variation 2581881 (VCV002581881.3), dbSNP rs2487944225, ClinGen allele CA371318859.

ClinVar aggregate classification (germline): Pathogenic. Review status: criteria provided, multiple submitters, no conflicts (2 of 4 stars). 2 submissions from 2 submitters: Pathogenic (2). Last evaluated 2024-10-31.

Conditions:
CHD7-related CHARGE syndrome. Identifiers: MedGen CN380413, MONDO:1010178, OMIM 214800.

Submissions (2):

GeneDx
Classification: Pathogenic. Last evaluated: 2024-10-31. Review status: criteria provided, single submitter. Criteria: GeneDx Variant Classification Process June 2021. Collection method: clinical testing. Allele origin: germline. Affected: yes.
Comment: Canonical splice site variant predicted to result in an in-frame loss of the adjacent exon in a gene for which loss of function is a known mechanism of disease; Not observed at significant frequency in large population cohorts (gnomAD); This variant is associated with the following publications: (PMID: 16155193)

Clinical Genetics Service, Universitary Hospital 12 de Octubre
Classification: Pathogenic for CHD7-related CHARGE syndrome. Review status: criteria provided, single submitter. Criteria: ACMG Guidelines, 2015. Collection method: clinical testing. Allele origin: de novo. Affected: yes.